The following is an entry in ClinVar:

NM_014855.3(AP5Z1):c.2098G>A (p.Val700Met)

Gene: AP5Z1 (adaptor related protein complex 5 subunit zeta 1; plus strand). Cytogenetic location: 7p22.1.
Variant type: single nucleotide variant.
Coding change: c.2098G>A on transcript NM_014855.3 (MANE Select); coding-DNA position 2098, G replaced by A.
Protein change: p.Val700Met; replaces valine 700 with methionine.
Molecular consequence: missense variant. On other transcripts: non-coding transcript variant (1).
Genome position (GRCh38, 1-based): chr7:4,790,832, G>A. VCF-style: chr7-4790832-G-A. GRCh37 (hg19) VCF-style: chr7-4830463-G-A.
Other names: p.Val700Met; c.2098G>A, p.Val700Met (LRG_1247t1); c.1630G>A, p.Val544Met (NM_001364858.1); short protein forms V700M, V544M.
Identifiers: ClinVar variation 128411 (VCV000128411.29), dbSNP rs11766611, ClinGen allele CA151861.

ClinVar aggregate classification (germline): Benign/Likely benign. Review status: criteria provided, multiple submitters, no conflicts (2 of 4 stars). 9 submissions from 9 submitters: Benign (5); Likely benign (3). 1 of the submissions does not count toward it. Last evaluated 2026-02-03.

Conditions:
Hereditary spastic paraplegia. Also called: Familial spastic paraparesis. Identifiers: Orphanet 685, MedGen C0037773, MONDO:0019064. Disease mechanism: loss of function.
Hereditary spastic paraplegia 48. Also called: SPASTIC PARAPLEGIA 48, AUTOSOMAL RECESSIVE; Spastic paraplegia 48. Identifiers: Orphanet 306511, MedGen C3150901, MONDO:0013342, OMIM 613647.

Allele frequency attached by ClinVar (database versions not stated): 1000 Genomes Project 30x 0.01077; 1000 Genomes Project 0.01118; ESP Exome Variant Server 0.01488; TOPMed 0.01519; gnomAD exomes 0.01674; gnomAD 0.01795; ExAC 0.02005.
gnomAD v4.1: 34,971 of 1,609,232 alleles (2.2%); highest among the groups gnomAD compares: Non-Finnish European, 2.6%; 432 homozygotes.

Submissions (9):

Labcorp Genetics (formerly Invitae), Labcorp
Classification: Benign for Hereditary spastic paraplegia 48. Last evaluated: 2026-02-03. Review status: criteria provided, single submitter. Criteria: Invitae Variant Classification Sherloc (09022015). Collection method: clinical testing. Allele origin: germline.

Blueprint Genetics
Classification: Likely benign. Last evaluated: 2024-11-26. Review status: criteria provided, single submitter. Criteria: ACMG Guidelines, 2015. Collection method: clinical testing. Allele origin: germline.

Athena Diagnostics
Classification: Benign. Last evaluated: 2024-04-10. Review status: criteria provided, single submitter. Criteria: Athena Diagnostics Criteria. Collection method: clinical testing. Allele origin: unknown.

Genome Diagnostics Laboratory, The Hospital for Sick Children
Classification: Benign for Hereditary spastic paraplegia. Last evaluated: 2021-11-17. Review status: criteria provided, single submitter. Criteria: ACMG Guidelines, 2015. Collection method: clinical testing. Allele origin: germline. Affected: yes.

GeneDx
Classification: Benign. Last evaluated: 2019-11-15. Review status: criteria provided, single submitter. Criteria: GeneDx Variant Classification Process June 2021. Collection method: clinical testing. Allele origin: germline. Affected: yes.

Mayo Clinic Laboratories, Mayo Clinic
Classification: Benign. Last evaluated: 2019-08-09. Review status: criteria provided, single submitter. Criteria: ACMG Guidelines, 2015. Collection method: clinical testing. Allele origin: germline. Observed: 67 variant alleles.

Illumina Laboratory Services, Illumina
Classification: Likely benign for Hereditary spastic paraplegia 48. Last evaluated: 2018-01-12. Review status: criteria provided, single submitter. Criteria: ICSL Variant Classification Criteria 13 December 2019. Collection method: clinical testing. Allele origin: germline.
Comment: This variant was observed in the ICSL laboratory as part of a predisposition screen in an ostensibly healthy population. It had not been previously curated by ICSL or reported in the Human Gene Mutation Database (HGMD: prior to June 1st, 2018), and was therefore a candidate for classification through an automated scoring system. Utilizing variant allele frequency, disease prevalence and penetrance estimates, and inheritance mode, an automated score was calculated to assess if this variant is too frequent to cause the disease. Based on the score and internal cut-off values, a variant classified as likely benign is not then subjected to further curation. The score for this variant resulted in a classification of likely benign for this disease.

Breakthrough Genomics
Classification: Likely benign. Review status: criteria provided, single submitter. Criteria: ACMG Guidelines, 2015. Collection method: not provided. Allele origin: germline. Inheritance: Autosomal recessive inheritance. Affected: yes.

Genetic Services Laboratory, University of Chicago
Classification: Likely benign for AllHighlyPenetrant. Review status: no assertion criteria provided. Collection method: clinical testing. Allele origin: germline. Inheritance: Autosomal recessive inheritance. Not counted in ClinVar's aggregate classification.
Comment: Likely benign based on allele frequency in 1000 Genomes Project or ESP global frequency and its presence in a patient with a rare or unrelated disease phenotype. NOT Sanger confirmed.

Literature cited by the submitters: PubMed 25333062 (cited by Athena Diagnostics); PubMed 20613862 (cited by Athena Diagnostics).